The following is an entry in ClinVar:

ClinVar aggregate classification (germline): Benign/Likely benign. Review status: criteria provided, multiple submitters, no conflicts (2 of 4 stars). 2 submissions from 2 submitters: Benign (1); Likely benign (1). Last evaluated 2026-01-29.

Allele frequency attached by ClinVar (database versions not stated): ESP Exome Variant Server 0.00008; gnomAD 0.00010; TOPMed 0.00024; 1000 Genomes Project 0.00040; 1000 Genomes Project 30x 0.00047; ExAC 0.00051; gnomAD exomes 0.00062.
gnomAD v4.1: 185 of 1,613,202 alleles (0.011%); highest among the groups gnomAD compares: Admixed American, 0.3%; no homozygotes.

Submissions (2):

Labcorp Genetics (formerly Invitae), Labcorp
Classification: Benign. Last evaluated: 2026-01-29. Review status: criteria provided, single submitter. Criteria: Invitae Variant Classification Sherloc (09022015). Collection method: clinical testing. Allele origin: germline.

CeGaT Center for Human Genetics Tuebingen
Classification: Likely benign. Last evaluated: 2025-08-01. Review status: criteria provided, single submitter. Criteria: CeGaT Center For Human Genetics Tuebingen Variant Classification Criteria Version 2. Collection method: clinical testing. Allele origin: germline. Affected: yes. Observed: 1 variant allele.
Comment: PLOD3: BP4, BP7

NM_001084.5(PLOD3):c.2124A>G (p.Ala708=)

Gene: PLOD3 (procollagen-lysine,2-oxoglutarate 5-dioxygenase 3; minus strand). Cytogenetic location: 7q22.1.
Variant type: single nucleotide variant.
Coding change: c.2124A>G on transcript NM_001084.5 (MANE Select); coding-DNA position 2124, A replaced by G.
Protein change: p.Ala708=; no amino-acid change (alanine 708 retained).
Molecular consequence: synonymous variant.
Genome position (GRCh38, 1-based): chr7:101,206,374, T>C on the plus strand (A>G on the coding strand, the complement: PLOD3 is on the minus strand). VCF-style: chr7-101206374-T-C. GRCh37 (hg19) VCF-style: chr7-100849655-T-C.
Identifiers: ClinVar variation 747482 (VCV000747482.18), dbSNP rs201504279, ClinGen allele CA4407371.